The following is an entry in ClinVar:

ClinVar aggregate classification (germline): Uncertain significance (1 of 4 stars; one submission).

Conditions:
Aortic aneurysm, familial thoracic 7 (AAT7). Also called: AORTIC DISSECTION, FAMILIAL, WITH OR WITHOUT AORTIC ANEURYSM. Identifiers: MedGen C3151077, MONDO:0013418, OMIM 613780.

Submission:

Labcorp Genetics (formerly Invitae), Labcorp
Classification: Uncertain significance for Aortic aneurysm, familial thoracic 7. Last evaluated: 2023-04-28. Review status: criteria provided, single submitter. Criteria: Invitae Variant Classification Sherloc (09022015). Collection method: clinical testing. Allele origin: germline.
Comment: In summary, the available evidence is currently insufficient to determine the role of this variant in disease. Therefore, it has been classified as a Variant of Uncertain Significance. Advanced modeling of protein sequence and biophysical properties (such as structural, functional, and spatial information, amino acid conservation, physicochemical variation, residue mobility, and thermodynamic stability) performed at Invitae indicates that this missense variant is not expected to disrupt MYLK protein function. This variant has not been reported in the literature in individuals affected with MYLK-related conditions. This variant is not present in population databases (gnomAD no frequency). This sequence change replaces alanine, which is neutral and non-polar, with aspartic acid, which is acidic and polar, at codon 1751 of the MYLK protein (p.Ala1751Asp).

NM_053025.4(MYLK):c.5252C>A (p.Ala1751Asp)

Genes: MYLK-AS1 (MYLK antisense RNA 1; plus strand), MYLK (myosin light chain kinase; minus strand). Cytogenetic location: 3q21.1.
Variant type: single nucleotide variant.
Coding change: c.5252C>A on transcript NM_053025.4 (MANE Select); coding-DNA position 5252, C replaced by A.
Protein change: p.Ala1751Asp; replaces alanine 1751 with aspartic acid.
Molecular consequence: missense variant. On other transcripts: 5 prime UTR variant (2).
Genome position (GRCh38, 1-based): chr3:123,620,323, G>T on the plus strand (C>A on the coding strand, the complement: MYLK is on the minus strand). VCF-style: chr3-123620323-G-T. GRCh37 (hg19) VCF-style: chr3-123339170-G-T.
Other names: c.4724C>A, p.Ala1575Asp (NM_001321309.2); c.5045C>A, p.Ala1682Asp (NM_053026.4); c.5099C>A, p.Ala1700Asp (NM_053027.4); c.4892C>A, p.Ala1631Asp (NM_053028.4); c.-29C>A (NM_053031.4, NM_053032.4); short protein forms A1700D, A1682D, A1751D, A1631D, A1575D.
Identifiers: ClinVar variation 2860233 (VCV002860233.3), dbSNP rs2472874280, ClinGen allele CA354231797.